The following is an entry in ClinVar:

NM_004247.4(EFTUD2):c.635C>G (p.Ser212Cys)

Gene: EFTUD2 (elongation factor Tu GTP binding domain containing 2; minus strand). Cytogenetic location: 17q21.31.
Variant type: single nucleotide variant.
Coding change: c.635C>G on transcript NM_004247.4 (MANE Select); coding-DNA position 635, C replaced by G.
Protein change: p.Ser212Cys; replaces serine 212 with cysteine.
Molecular consequence: missense variant.
Genome position (GRCh38, 1-based): chr17:44,879,623, G>C on the plus strand (C>G on the coding strand, the complement: EFTUD2 is on the minus strand). VCF-style: chr17-44879623-G-C. GRCh37 (hg19) VCF-style: chr17-42956991-G-C.
Other names: c.530C>G, p.Ser177Cys (NM_001142605.2); c.635C>G, p.Ser212Cys (NM_001258353.2); c.605C>G, p.Ser202Cys (NM_001258354.2); short protein forms S177C, S202C, S212C.
Identifiers: ClinVar variation 3375670 (VCV003375670.2).

ClinVar aggregate classification (germline): Uncertain significance (1 of 4 stars; one submission).

Submission:

GeneDx
Classification: Uncertain significance. Last evaluated: 2025-11-12. Review status: criteria provided, single submitter. Criteria: GeneDx Variant Classification Process June 2021. Collection method: clinical testing. Allele origin: germline.
Comment: Not observed at significant frequency in large population cohorts (gnomAD); In silico analysis supports that this missense variant has a deleterious effect on protein structure/function; Has not been previously published as pathogenic or benign to our knowledge